The following is an entry in ClinVar:

NM_020699.4(GATAD2B):c.1718G>A (p.Arg573His)

Gene: GATAD2B (GATA zinc finger domain containing 2B; minus strand). Cytogenetic location: 1q21.3.
Variant type: single nucleotide variant.
Coding change: c.1718G>A on transcript NM_020699.4 (MANE Select); coding-DNA position 1718, G replaced by A.
Protein change: p.Arg573His; replaces arginine 573 with histidine.
Molecular consequence: missense variant.
Genome position (GRCh38, 1-based): chr1:153,810,241, C>T on the plus strand (G>A on the coding strand, the complement: GATAD2B is on the minus strand). VCF-style: chr1-153810241-C-T. GRCh37 (hg19) VCF-style: chr1-153782717-C-T.
Other names: short protein forms R573H.
Identifiers: ClinVar variation 3280871 (VCV003280871.2).

ClinVar aggregate classification (germline): Uncertain significance. Review status: criteria provided, multiple submitters, no conflicts (2 of 4 stars). 2 submissions from 2 submitters: Uncertain significance (2). Last evaluated 2024-06-12.

Conditions:
Inborn genetic diseases. Identifiers: MedGen C0950123, MeSH D030342.

Submissions (2):

Women's Health and Genetics/Laboratory Corporation of America, LabCorp
Classification: Uncertain significance. Last evaluated: 2024-06-12. Review status: criteria provided, single submitter. Criteria: LabCorp Variant Classification Summary - May 2015. Collection method: clinical testing. Allele origin: germline.
Comment: Variant summary: GATAD2B c.1718G>A (p.Arg573His) results in a non-conservative amino acid change in the encoded protein sequence. Four of five in-silico tools predict a damaging effect of the variant on protein function. The variant was absent in 248460 control chromosomes. The available data on variant occurrences in the general population are insufficient to allow any conclusion about variant significance. To our knowledge, no occurrence of c.1718G>A in individuals affected with Severe Intellectual Disability-Poor Language-Strabismus Face-Long Fingers Syndrome and no experimental evidence demonstrating its impact on protein function have been reported. No submitters have cited clinical-significance assessments for this variant to ClinVar. Based on the evidence outlined above, the variant was classified as uncertain significance.

Ambry Genetics
Classification: Uncertain significance for Inborn genetic diseases. Last evaluated: 2024-05-10. Review status: criteria provided, single submitter. Criteria: Ambry Variant Classification Scheme 2023. Collection method: clinical testing. Allele origin: germline.
Comment: The c.1718G>A (p.R573H) alteration is located in exon 11 (coding exon 10) of the GATAD2B gene. This alteration results from a G to A substitution at nucleotide position 1718, causing the arginine (R) at amino acid position 573 to be replaced by a histidine (H). This variant was not reported in population-based cohorts in the Genome Aggregation Database (gnomAD). This amino acid position is highly conserved in available vertebrate species. This alteration is predicted to be deleterious by in silico analysis. Based on insufficient or conflicting evidence, the clinical significance of this alteration remains unclear.